The following is an entry in ClinVar:

NM_001077350.3(NPRL3):c.1178dup (p.Met393fs)

Genes: HBA-LCR (alpha-globin locus control region; plus strand), NPRL3 (NPR3 like, GATOR1 complex subunit; minus strand). Cytogenetic location: 16p13.3.
Variant type: Duplication.
Coding change: c.1178dup on transcript NM_001077350.3 (MANE Select); coding-DNA position 1178, one base duplicated (T; older notation c.1178dupT).
Protein change: p.Met393fs; shifts the reading frame from methionine 393.
Molecular consequence: frameshift variant.
Genome position (GRCh38, 1-based): chr16:89,886, A duplicated on the plus strand (T on the coding strand, the reverse complement: NPRL3 is on the minus strand). VCF-style (leftmost placement, unchanged base first): chr16-89885-C-CA. GRCh37 (hg19) VCF-style: chr16-139883-C-CA.
Other names: c.641dup, p.Met214fs (NM_001039476.3); c.944dup, p.Met315fs (NM_001243247.2); c.1103dup, p.Met368fs (NM_001243248.2, NM_001243249.2); short protein forms M315fs, M393fs, M214fs, M368fs.
Identifiers: ClinVar variation 1443589 (VCV001443589.6), dbSNP rs2141902589, ClinGen allele CA2573151940.

ClinVar aggregate classification (germline): Pathogenic (1 of 4 stars; one submission).

Conditions:
Epilepsy, familial focal, with variable foci 3 (FFEVF3). Identifiers: MedGen C4310708, MONDO:0014925, OMIM 617118.

Submission:

Labcorp Genetics (formerly Invitae), Labcorp
Classification: Pathogenic for Epilepsy, familial focal, with variable foci 3. Last evaluated: 2025-09-15. Review status: criteria provided, single submitter. Criteria: Invitae Variant Classification Sherloc (09022015). Collection method: clinical testing. Allele origin: germline.
Comment: This sequence change creates a premature translational stop signal (p.Met393Ilefs*63) in the NPRL3 gene. It is expected to result in an absent or disrupted protein product. Loss-of-function variants in NPRL3 are known to be pathogenic (PMID: 26285051, 26505888). This variant is not present in population databases (gnomAD no frequency). This variant has not been reported in the literature in individuals affected with NPRL3-related conditions. ClinVar contains an entry for this variant (Variation ID: 1443589). For these reasons, this variant has been classified as Pathogenic.

Literature cited by the submitters: PubMed 26285051; PubMed 26505888.